The following is an entry in ClinVar:

ClinVar aggregate classification (germline): Uncertain significance. Review status: criteria provided, multiple submitters, no conflicts (2 of 4 stars). 3 submissions from 3 submitters: Uncertain significance (3). Last evaluated 2024-03-26.

Conditions:
Inborn genetic diseases. Identifiers: MedGen C0950123, MeSH D030342.
Bronchiectasis with or without elevated sweat chloride 1 (BESC1). Also called: Cystic Fibrosis-Like Syndrome. Identifiers: Orphanet 60033, MedGen C2749757, MONDO:0008887, OMIM 211400.
Liddle syndrome 1 (LIDLS1). Also called: PSEUDOALDOSTERONISM. Identifiers: Orphanet 526, MedGen CN031472, MONDO:0020607, OMIM 177200.
Pseudohypoaldosteronism, type IB2, autosomal recessive (PHA1B2). Identifiers: MedGen C5774255, MONDO:0859317, OMIM 620125.

Allele frequency attached by ClinVar (database versions not stated): ExAC 0.00002; TOPMed 0.00002; gnomAD 0.00003; ESP Exome Variant Server 0.00008.
gnomAD v4.1: 114 of 1,614,118 alleles (0.0071%); highest among the groups gnomAD compares: Non-Finnish European, 0.0095%; no homozygotes.

Submissions (3):

Fulgent Genetics
Classification: Uncertain significance for Liddle syndrome 1; Bronchiectasis with or without elevated sweat chloride 1; Pseudohypoaldosteronism, type IB2, autosomal recessive. Last evaluated: 2024-03-26. Review status: criteria provided, single submitter. Criteria: ACMG Guidelines, 2015. Collection method: clinical testing. Allele origin: germline.

CeGaT Center for Human Genetics Tuebingen
Classification: Uncertain significance. Last evaluated: 2023-11-01. Review status: criteria provided, single submitter. Criteria: CeGaT Center For Human Genetics Tuebingen Variant Classification Criteria Version 2. Collection method: clinical testing. Allele origin: germline. Affected: yes. Observed: 1 variant allele.
Comment: SCNN1B: PM2, BP4

Ambry Genetics
Classification: Uncertain significance for Inborn genetic diseases. Last evaluated: 2023-08-04. Review status: criteria provided, single submitter. Criteria: Ambry Variant Classification Scheme 2023. Collection method: clinical testing. Allele origin: germline.

NM_000336.3(SCNN1B):c.1335G>C (p.Lys445Asn)

Gene: SCNN1B (sodium channel epithelial 1 subunit beta; plus strand). Cytogenetic location: 16p12.2.
Variant type: single nucleotide variant.
Coding change: c.1335G>C on transcript NM_000336.3 (MANE Select); coding-DNA position 1335, G replaced by C.
Protein change: p.Lys445Asn; replaces lysine 445 with asparagine.
Molecular consequence: missense variant.
Genome position (GRCh38, 1-based): chr16:23,377,229, G>C. VCF-style: chr16-23377229-G-C. GRCh37 (hg19) VCF-style: chr16-23388550-G-C.
Other names: c.1227G>C, p.Lys409Asn (NM_001410900.1); short protein forms K409N, K445N.
Identifiers: ClinVar variation 2616322 (VCV002616322.26), dbSNP rs371686339, ClinGen allele CA7960466.